The following is an entry in ClinVar:

ClinVar aggregate classification (germline): Uncertain significance (1 of 4 stars; one submission).

Conditions:
Methylmalonic acidemia with homocystinuria, type cblJ (MAHCJ). Also called: METHYLMALONIC ACIDURIA AND HOMOCYSTINURIA, cblJ TYPE. Identifiers: Orphanet 369955, MedGen C3553915, MONDO:0013925, OMIM 614857.

Allele frequency attached by ClinVar (database versions not stated): gnomAD exomes below 0.00001; ExAC 0.00001; TOPMed 0.00001.
gnomAD v4.1: 1 of 1,614,190 alleles (0.000062%); highest among the groups gnomAD compares: Admixed American, 0.0017%; no homozygotes.

Submission:

Labcorp Genetics (formerly Invitae), Labcorp
Classification: Uncertain significance for Methylmalonic acidemia with homocystinuria, type cblJ. Last evaluated: 2021-03-12. Review status: criteria provided, single submitter. Criteria: Invitae Variant Classification Sherloc (09022015). Collection method: clinical testing. Allele origin: germline.
Comment: In summary, the available evidence is currently insufficient to determine the role of this variant in disease. Therefore, it has been classified as a Variant of Uncertain Significance. Advanced modeling of protein sequence and biophysical properties (such as structural, functional, and spatial information, amino acid conservation, physicochemical variation, residue mobility, and thermodynamic stability) performed at Invitae indicates that this missense variant is expected to disrupt ABCD4 protein function. This variant has not been reported in the literature in individuals with ABCD4-related conditions. This variant is present in population databases (rs778245157, ExAC 0.009%). This sequence change replaces serine with tyrosine at codon 167 of the ABCD4 protein (p.Ser167Tyr). The serine residue is highly conserved and there is a large physicochemical difference between serine and tyrosine.

NM_005050.4(ABCD4):c.500C>A (p.Ser167Tyr)

Gene: ABCD4 (ATP binding cassette subfamily D member 4; minus strand). Cytogenetic location: 14q24.3.
Variant type: single nucleotide variant.
Coding change: c.500C>A on transcript NM_005050.4 (MANE Select); coding-DNA position 500, C replaced by A.
Protein change: p.Ser167Tyr; replaces serine 167 with tyrosine.
Molecular consequence: missense variant. On other transcripts: 5 prime UTR variant (9), non-coding transcript variant (10).
Genome position (GRCh38, 1-based): chr14:74,296,375, G>T on the plus strand (C>A on the coding strand, the complement: ABCD4 is on the minus strand). VCF-style: chr14-74296375-G-T. GRCh37 (hg19) VCF-style: chr14-74763078-G-T.
Other names: c.500C>A, p.Ser167Tyr (NM_001353591.2, NM_001353592.2, NM_020325.3); c.239C>A, p.Ser80Tyr (NM_001353593.2, NM_001353594.2); c.91C>A, p.Pro31Thr (NM_001353595.2, NM_001353596.2, NM_001353597.2); c.23C>A, p.Ser8Tyr (NM_001353598.2, NM_001353599.2, NM_001353600.2 and 2 more transcripts); c.-190C>A (NM_001353602.2, NM_001353608.2); c.-195C>A (NM_001353603.2, NM_001353604.2, NM_001353605.2 and 4 more transcripts); short protein forms S80Y, P31T, S8Y, S167Y.
Identifiers: ClinVar variation 1516245 (VCV001516245.6), dbSNP rs778245157, ClinGen allele CA7267201.